The following is an entry in ClinVar:

ClinVar aggregate classification (germline): Uncertain significance (1 of 4 stars; one submission).

Conditions:
Familial thoracic aortic aneurysm and aortic dissection (TAAD). Also called: Thoracic aortic aneurysms and dissections. Identifiers: Orphanet 91387, MedGen C4707243, MONDO:0019625.

Submission:

Color Diagnostics, LLC DBA Color Health
Classification: Uncertain significance for Familial thoracic aortic aneurysm and aortic dissection. Last evaluated: 2025-05-30. Review status: criteria provided, single submitter. Criteria: ACMG Guidelines, 2015. Collection method: clinical testing. Allele origin: germline.
Comment: This missense variant replaces serine with phenylalanine at codon 2521 of the FBN1 protein. Computational prediction suggests that this variant may not impact protein structure and function. To our knowledge, functional studies have not been reported for this variant. This variant has not been reported in individuals affected with FBN1-related disorders in the literature. This variant has not been identified in the general population by the Genome Aggregation Database (gnomAD). The available evidence is insufficient to determine the role of this variant in disease conclusively. Therefore, this variant is classified as a Variant of Uncertain Significance.

NM_000138.5(FBN1):c.7562C>T (p.Ser2521Phe)

Gene: FBN1 (fibrillin 1; minus strand). Cytogenetic location: 15q21.1.
Variant type: single nucleotide variant.
Coding change: c.7562C>T on transcript NM_000138.5 (MANE Select); coding-DNA position 7562, C replaced by T.
Protein change: p.Ser2521Phe; replaces serine 2521 with phenylalanine.
Molecular consequence: missense variant.
Genome position (GRCh38, 1-based): chr15:48,421,960, G>A on the plus strand (C>T on the coding strand, the complement: FBN1 is on the minus strand). VCF-style: chr15-48421960-G-A. GRCh37 (hg19) VCF-style: chr15-48714157-G-A.
Other names: c.7562C>T, p.Ser2521Phe (NM_001406716.1); short protein forms S2521F.
Identifiers: ClinVar variation 4758752 (VCV004758752.1).